The following is an entry in ClinVar:

NM_000094.4(COL7A1):c.5155-17_5155-16delinsTT

Gene: COL7A1 (collagen type VII alpha 1 chain; minus strand). Cytogenetic location: 3p21.31.
Variant type: Indel.
Coding change: c.5155-17_5155-16delinsTT on transcript NM_000094.4 (MANE Select); 17 bases into the intron before coding-DNA position 5155 through 16 bases into the intron before coding-DNA position 5155, GC replaced by TT.
Molecular consequence: intron variant.
Genome position (GRCh38, 1-based): chr3:48,579,684-48,579,685, GC replaced by AA on the plus strand (GC replaced by TT on the coding strand, the reverse complement: COL7A1 is on the minus strand). VCF-style: chr3-48579684-GC-AA. GRCh37 (hg19) VCF-style: chr3-48617117-GC-AA.
Identifiers: ClinVar variation 3022687 (VCV003022687.3), dbSNP rs2531066046, ClinGen allele CA2740094372.

ClinVar aggregate classification (germline): Uncertain significance (1 of 4 stars; one submission).

Submission:

Labcorp Genetics (formerly Invitae), Labcorp
Classification: Uncertain significance. Last evaluated: 2025-07-21. Review status: criteria provided, single submitter. Criteria: Invitae Variant Classification Sherloc (09022015). Collection method: clinical testing. Allele origin: germline.
Comment: This sequence change falls in intron 57 of the COL7A1 gene. It does not directly change the encoded amino acid sequence of the COL7A1 protein. It affects a nucleotide within the consensus splice site. Information on the frequency of this variant in the gnomAD database is not available, as this variant may be reported differently in the database. This variant has not been reported in the literature in individuals affected with COL7A1-related conditions. ClinVar contains an entry for this variant (Variation ID: 3022687). Variants that disrupt the consensus splice site are a relatively common cause of aberrant splicing (PMID: 17576681, 9536098). In summary, the available evidence is currently insufficient to determine the role of this variant in disease. Therefore, it has been classified as a Variant of Uncertain Significance.

Literature cited by the submitters: PubMed 17576681; PubMed 9536098.